The following is an entry in ClinVar:

NM_020207.7(ERCC6L2):c.702T>G (p.Asn234Lys)

Gene: ERCC6L2 (ERCC excision repair 6 like 2; plus strand). Cytogenetic location: 9q22.32.
Variant type: single nucleotide variant.
Coding change: c.702T>G on transcript NM_020207.7 (MANE Select); coding-DNA position 702, T replaced by G.
Protein change: p.Asn234Lys; replaces asparagine 234 with lysine.
Molecular consequence: missense variant. On other transcripts: non-coding transcript variant (1).
Genome position (GRCh38, 1-based): chr9:95,907,185, T>G. VCF-style: chr9-95907185-T-G. GRCh37 (hg19) VCF-style: chr9-98669467-T-G.
Other names: c.702T>G, p.Asn234Lys (NM_001010895.4, NM_001375291.1, NM_001375292.1 and 2 more transcripts); short protein forms N234K.
Identifiers: ClinVar variation 1986616 (VCV001986616.5), dbSNP rs376740581, ClinGen allele CA5139356.

ClinVar aggregate classification (germline): Uncertain significance. Review status: criteria provided, multiple submitters, no conflicts (2 of 4 stars). 2 submissions from 2 submitters: Uncertain significance (2). Last evaluated 2022-03-11.

Conditions:
Inborn genetic diseases. Identifiers: MedGen C0950123, MeSH D030342.

Allele frequency attached by ClinVar (database versions not stated): gnomAD 0.00001; gnomAD exomes 0.00001; ExAC 0.00002; TOPMed 0.00003; ESP Exome Variant Server 0.00015.
gnomAD v4.1: 20 of 1,613,472 alleles (0.0012%); highest among the groups gnomAD compares: Non-Finnish European, 0.0014%; no homozygotes.

Submissions (2):

Labcorp Genetics (formerly Invitae), Labcorp
Classification: Uncertain significance. Last evaluated: 2022-03-11. Review status: criteria provided, single submitter. Criteria: Invitae Variant Classification Sherloc (09022015). Collection method: clinical testing. Allele origin: germline.
Comment: This sequence change replaces asparagine, which is neutral and polar, with lysine, which is basic and polar, at codon 245 of the ERCC6L2 protein (p.Asn245Lys). This variant is present in population databases (rs376740581, gnomAD 0.01%). In summary, the available evidence is currently insufficient to determine the role of this variant in disease. Therefore, it has been classified as a Variant of Uncertain Significance. Algorithms developed to predict the effect of missense changes on protein structure and function are either unavailable or do not agree on the potential impact of this missense change (SIFT: "Tolerated"; PolyPhen-2: "Not Available"; Align-GVGD: "Class C0"). This variant has not been reported in the literature in individuals affected with ERCC6L2-related conditions.

Ambry Genetics
Classification: Uncertain significance for Inborn genetic diseases. Last evaluated: 2021-07-14. Review status: criteria provided, single submitter. Criteria: Ambry Variant Classification Scheme 2023. Collection method: clinical testing. Allele origin: germline.